The following is an entry in ClinVar:

NM_001267550.2(TTN):c.97323C>T (p.Asp32441=)

Genes: TTN (titin; minus strand), TTN-AS1 (TTN antisense RNA 1; plus strand). Cytogenetic location: 2q31.2.
Variant type: single nucleotide variant.
Coding change: c.97323C>T on transcript NM_001267550.2 (MANE Select); coding-DNA position 97323, C replaced by T.
Protein change: p.Asp32441=; no amino-acid change (aspartic acid 32441 retained).
Molecular consequence: synonymous variant.
Genome position (GRCh38, 1-based): chr2:178,542,433, G>A on the plus strand (C>T on the coding strand, the complement: TTN is on the minus strand). VCF-style: chr2-178542433-G-A. GRCh37 (hg19) VCF-style: chr2-179407160-G-A.
Other names: c.92400C>T, p.Asp30800= (NM_001256850.1); c.70128C>T, p.Asp23376= (NM_003319.4); c.89619C>T, p.Asp29873= (NM_133378.4); c.70503C>T, p.Asp23501= (NM_133432.3); c.70704C>T, p.Asp23568= (NM_133437.4).
Identifiers: ClinVar variation 535673 (VCV000535673.16), dbSNP rs749961745, ClinGen allele CA1986577.

ClinVar aggregate classification (germline): Likely benign. Review status: criteria provided, multiple submitters, no conflicts (2 of 4 stars). 4 submissions from 4 submitters: Likely benign (4). Last evaluated 2026-08-01.

Conditions:
Cardiovascular phenotype. Identifiers: MedGen CN230736.
TTN-related disorder. Also called: TTN-related condition; TTN-related disease; TTN-related disorders.
Autosomal recessive limb-girdle muscular dystrophy type 2J (LGMDR10). Also called: MUSCULAR DYSTROPHY, LIMB-GIRDLE, AUTOSOMAL RECESSIVE 10; Limb-girdle muscular dystrophy, type 2J. Identifiers: Orphanet 140922, MedGen C1837342, MONDO:0012127, OMIM 608807.
Dilated cardiomyopathy 1G (CMD1G). Identifiers: Orphanet 154, MedGen C1858763, MONDO:0011400, OMIM 604145.

Allele frequency attached by ClinVar (database versions not stated): gnomAD exomes 0.00001 and 0.00002; ExAC 0.00002; gnomAD 0.00003; TOPMed 0.00003.
gnomAD v4.1: 24 of 1,613,552 alleles (0.0015%); highest among the groups gnomAD compares: Admixed American, 0.0067%; no homozygotes.

Submissions (4):

CeGaT Center for Human Genetics Tuebingen
Classification: Likely benign. Last evaluated: 2026-08-01. Review status: criteria provided, single submitter. Criteria: CeGaT Center For Human Genetics Tuebingen Variant Classification Criteria Version 2. Collection method: clinical testing. Allele origin: germline. Affected: yes. Observed: 2 variant alleles.
Comment: TTN: BP4, BP7

Labcorp Genetics (formerly Invitae), Labcorp
Classification: Likely benign for Dilated cardiomyopathy 1G; Autosomal recessive limb-girdle muscular dystrophy type 2J. Last evaluated: 2025-11-11. Review status: criteria provided, single submitter. Criteria: Invitae Variant Classification Sherloc (09022015). Collection method: clinical testing. Allele origin: germline.

PreventionGenetics, part of Exact Sciences
Classification: Likely benign for TTN-related condition. Last evaluated: 2025-08-06. Review status: criteria provided, single submitter. Criteria: ACMG Guidelines, 2015. Collection method: clinical testing. Allele origin: germline.
Comment: This variant is classified as likely benign based on ACMG/AMP sequence variant interpretation guidelines (Richards et al. 2015 PMID: 25741868, with internal and published modifications).

Ambry Genetics
Classification: Likely benign for Cardiovascular phenotype. Last evaluated: 2019-05-23. Review status: criteria provided, single submitter. Criteria: Ambry Variant Classification Scheme 2023. Collection method: clinical testing. Allele origin: germline.